The following is an entry in ClinVar:

ClinVar aggregate classification (germline): Pathogenic (1 of 4 stars; one submission).

Conditions:
Polycystic kidney disease, adult type (PKD1). Also called: Polycystic Kidney, Autosomal Dominant; Polycystic Kidney Disease 1, Autosomal Dominant; Polycystic kidney disease 1; Polycystic kidney disease 1, severe; POLYCYSTIC KIDNEY DISEASE, ADULT, TYPE I; POLYCYSTIC KIDNEY DISEASE 1 WITH OR WITHOUT POLYCYSTIC LIVER DISEASE. Identifiers: MedGen C3149841, MONDO:0008263, OMIM 173900.

Submission:

Women's Health and Genetics/Laboratory Corporation of America, LabCorp
Classification: Pathogenic for Polycystic kidney disease, adult type. Last evaluated: 2025-10-03. Review status: criteria provided, single submitter. Criteria: LabCorp Variant Classification Summary - May 2015. Collection method: clinical testing. Allele origin: germline.
Comment: Variant summary: PKD1 c.8835C>A (p.Tyr2945X) results in a premature termination codon, predicted to cause absence of the protein due to nonsense mediated decay, which is a commonly known mechanism for disease. The variant was absent in 247686 control chromosomes (gnomAD). c.8835C>A has been observed in an individual affected with Polycystic Kidney Disease 1 (Watson_2025). The following publication has been ascertained in the context of this evaluation (PMID: 39888183). No submitters have cited clinical-significance assessments for this variant to ClinVar. Based on the evidence outlined above, the variant was classified as pathogenic.

Literature cited by the submitters: PubMed 39888183.

NM_001009944.3(PKD1):c.8835C>A (p.Tyr2945Ter)

Gene: PKD1 (polycystin 1, transient receptor potential channel interacting; minus strand). Cytogenetic location: 16p13.3.
Variant type: single nucleotide variant.
Coding change: c.8835C>A on transcript NM_001009944.3 (MANE Select); coding-DNA position 8835, C replaced by A.
Protein change: p.Tyr2945Ter; replaces tyrosine 2945 with a stop codon.
Molecular consequence: nonsense.
Genome position (GRCh38, 1-based): chr16:2,102,927, G>T on the plus strand (C>A on the coding strand, the complement: PKD1 is on the minus strand). VCF-style: chr16-2102927-G-T. GRCh37 (hg19) VCF-style: chr16-2152928-G-T.
Other names: c.8835C>A, p.Tyr2945Ter (NM_000296.4); short protein forms Y2945*.
Identifiers: ClinVar variation 4687589 (VCV004687589.1).